The following is an entry in ClinVar:

NM_003458.4(BSN):c.4138del (p.Thr1380fs)

Gene: BSN (bassoon presynaptic cytomatrix protein; plus strand). Cytogenetic location: 3p21.31.
Variant type: Deletion.
Coding change: c.4138del on transcript NM_003458.4 (MANE Select); coding-DNA position 4138, one base deleted (A; older notation c.4138delA).
Protein change: p.Thr1380fs; shifts the reading frame from threonine 1380.
Molecular consequence: frameshift variant.
Genome position (GRCh38, 1-based): chr3:49,653,694, A deleted. VCF-style (leftmost placement, unchanged base first): chr3-49653693-GA-G. GRCh37 (hg19) VCF-style: chr3-49691126-GA-G.
Other names: short protein forms T1380fs.
Identifiers: ClinVar variation 3236560 (VCV003236560.1), dbSNP rs2472904834, ClinGen allele CA2825001273.

ClinVar aggregate classification (germline): Uncertain significance (1 of 4 stars; one submission).

Submission:

Clinical Genomics Laboratory, Washington University in St. Louis
Classification: Uncertain significance. Last evaluated: 2024-02-13. Review status: criteria provided, single submitter. Criteria: ACMG Guidelines, 2015. Collection method: clinical testing. Allele origin: germline.
Comment: The BSN c.4138del (p.Thr1380Profs*19) variant, to our knowledge, has not been reported in the medical literature and is absent from the general population (gnomAD v.2.1.1), indicating it is not a common variant. This variant causes a frameshift by deleting a single nucleotide, leading to a premature termination codon, which is predicted to lead to nonsense mediated decay. Due to limited information, the clinical significance of this variant is uncertain.